The following is an entry in ClinVar:

ClinVar aggregate classification (germline): Likely pathogenic (1 of 4 stars; one submission).

Conditions:
Cohen syndrome (COH1). Also called: PEPPER SYNDROME; Cutis verticis gyrata, retinitis pigmentosa, and sensorineural deafness. Identifiers: Orphanet 193, MedGen C0265223, MONDO:0008999, OMIM 216550.

Submission:

Labcorp Genetics (formerly Invitae), Labcorp
Classification: Likely pathogenic for Cohen syndrome. Last evaluated: 2018-09-04. Review status: criteria provided, single submitter. Criteria: Invitae Variant Classification Sherloc (09022015). Collection method: clinical testing. Allele origin: germline.
Comment: This sequence change affects a donor splice site in intron 6 of the VPS13B gene. It is expected to disrupt RNA splicing and likely results in an absent or disrupted protein product. This variant is not present in population databases (ExAC no frequency). This variant has not been reported in the literature in individuals with VPS13B-related disease. Algorithms developed to predict the effect of sequence changes on RNA splicing suggest that this variant may disrupt the consensus splice site, but this prediction has not been confirmed by published transcriptional studies. Donor and acceptor splice site variants typically lead to a loss of protein function (PMID: 16199547), and loss-of-function variants in VPS13B are known to be pathogenic (PMID: 15141358, 16648375, 20461111). In summary, the currently available evidence indicates that the variant is pathogenic, but additional data are needed to prove that conclusively. Therefore, this variant has been classified as Likely Pathogenic.

Literature cited by the submitters: PubMed 16199547; PubMed 15141358; PubMed 16648375; PubMed 20461111.

NM_152564.5(VPS13B):c.762+2T>C

Gene: VPS13B (vacuolar protein sorting 13 homolog B; plus strand). Cytogenetic location: 8q22.2.
Variant type: single nucleotide variant.
Coding change: c.762+2T>C on transcript NM_152564.5 (MANE Select); the canonical splice donor site of the intron after coding-DNA position 762, T replaced by C.
Molecular consequence: splice donor variant.
Genome position (GRCh38, 1-based): chr8:99,111,281, T>C. VCF-style: chr8-99111281-T-C. GRCh37 (hg19) VCF-style: chr8-100123509-T-C.
Other names: c.762+2T>C (NM_017890.5, NM_015243.3, NM_181661.3).
Identifiers: ClinVar variation 642448 (VCV000642448.7), dbSNP rs1588048848, ClinGen allele CA371860335.
Genomic context (GRCh38, chr8:99,111,281, plus strand): 5'-GAACTCGTCTTCATTTTACATATGAAAACCTAAATTCCAAGATGCCATCTGTTATTAAAG[T>C]AGGTATCTCTTTTTTTTGCAGTTAAGTTGCATGTCTTTATTTTGTTTATTGACTCTTGTG-3'